The following is an entry in ClinVar:

NM_138576.4(BCL11B):c.1143C>T (p.Ser381=)

Gene: BCL11B (BCL11 transcription factor B; minus strand). Cytogenetic location: 14q32.2.
Variant type: single nucleotide variant.
Coding change: c.1143C>T on transcript NM_138576.4 (MANE Select); coding-DNA position 1143, C replaced by T.
Protein change: p.Ser381=; no amino-acid change (serine 381 retained).
Molecular consequence: synonymous variant.
Genome position (GRCh38, 1-based): chr14:99,175,693, G>A on the plus strand (C>T on the coding strand, the complement: BCL11B is on the minus strand). VCF-style: chr14-99175693-G-A. GRCh37 (hg19) VCF-style: chr14-99642030-G-A.
Other names: c.1140C>T, p.Ser380= (NM_001282237.2); c.927C>T, p.Ser309= (NM_001282238.2); c.930C>T, p.Ser310= (NM_022898.3); c.930C>T (NM_022898.2).
Identifiers: ClinVar variation 2067498 (VCV002067498.30), dbSNP rs779748910, ClinGen allele CA7339734.

ClinVar aggregate classification (germline): Likely benign. Review status: criteria provided, multiple submitters, no conflicts (2 of 4 stars). 4 submissions from 4 submitters: Likely benign (3). 1 of the submissions does not count toward it. Last evaluated 2026-01-27.

Conditions:
BCL11B-related disorder. Also called: BCL11B-Related Disorders.

Allele frequency attached by ClinVar (database versions not stated): gnomAD exomes 0.00001; ExAC 0.00004; gnomAD 0.00013; TOPMed 0.00019.
gnomAD v4.1: 41 of 1,520,500 alleles (0.0027%); highest among the groups gnomAD compares: African/African-American, 0.052%; no homozygotes.

Submissions (4):

Labcorp Genetics (formerly Invitae), Labcorp
Classification: Likely benign. Last evaluated: 2026-01-27. Review status: criteria provided, single submitter. Criteria: Invitae Variant Classification Sherloc (09022015). Collection method: clinical testing. Allele origin: germline.

Blueprint Genetics
Classification: Likely benign. Last evaluated: 2023-04-27. Review status: criteria provided, single submitter. Criteria: ACMG Guidelines, 2015. Collection method: clinical testing. Allele origin: germline.

CeGaT Center for Human Genetics Tuebingen
Classification: Likely benign. Last evaluated: 2022-06-01. Review status: criteria provided, single submitter. Criteria: CeGaT Center For Human Genetics Tuebingen Variant Classification Criteria Version 2. Collection method: clinical testing. Allele origin: germline. Affected: yes. Observed: 1 variant allele.
Comment: BCL11B: BP4, BP7

PreventionGenetics, part of Exact Sciences
Classification: Likely benign for BCL11B-related condition. Last evaluated: 2019-04-01. Review status: no assertion criteria provided. Collection method: clinical testing. Allele origin: germline. Not counted in ClinVar's aggregate classification.
Comment: This variant is classified as likely benign based on ACMG/AMP sequence variant interpretation guidelines (Richards et al. 2015 PMID: 25741868, with internal and published modifications).